The following is an entry in ClinVar:

ClinVar aggregate classification (germline): Uncertain significance. Review status: criteria provided, multiple submitters, no conflicts (2 of 4 stars). 3 submissions from 3 submitters: Uncertain significance (3). Last evaluated 2025-10-21.

Conditions:
Primary ciliary dyskinesia. Also called: Ciliary dyskinesia. Identifiers: Orphanet 244, MedGen C0008780, MONDO:0016575, HP:0012265.

Allele frequency attached by ClinVar (database versions not stated): TOPMed 0.00010.
gnomAD v4.1: 50 of 1,594,908 alleles (0.0031%); highest among the groups gnomAD compares: East Asian, 0.016%; no homozygotes.

Submissions (3):

Ambry Genetics
Classification: Uncertain significance for Primary ciliary dyskinesia. Last evaluated: 2025-10-21. Review status: criteria provided, single submitter. Criteria: Ambry Variant Classification Scheme 2023. Collection method: clinical testing. Allele origin: germline.

Labcorp Genetics (formerly Invitae), Labcorp
Classification: Uncertain significance for Primary ciliary dyskinesia. Last evaluated: 2022-05-17. Review status: criteria provided, single submitter. Criteria: Invitae Variant Classification Sherloc (09022015). Collection method: clinical testing. Allele origin: germline.
Comment: This sequence change replaces proline, which is neutral and non-polar, with arginine, which is basic and polar, at codon 606 of the RSPH4A protein (p.Pro606Arg). This variant is present in population databases (rs138413282, gnomAD 0.02%). This variant has not been reported in the literature in individuals affected with RSPH4A-related conditions. ClinVar contains an entry for this variant (Variation ID: 977550). Algorithms developed to predict the effect of missense changes on protein structure and function are either unavailable or do not agree on the potential impact of this missense change (SIFT: "Deleterious"; PolyPhen-2: "Possibly Damaging"; Align-GVGD: "Class C0"). In summary, the available evidence is currently insufficient to determine the role of this variant in disease. Therefore, it has been classified as a Variant of Uncertain Significance.

UNC Molecular Genetics  Laboratory, University of North Carolina at Chapel Hill
Classification: Uncertain significance for Primary ciliary dyskinesia. Last evaluated: 2020-02-17. Review status: criteria provided, single submitter. Criteria: ACMG Guidelines, 2015. Collection method: clinical testing. Allele origin: germline. Observed: 1 heterozygote.

NM_001010892.3(RSPH4A):c.1817C>G (p.Pro606Arg)

Gene: RSPH4A (radial spoke head component 4A; plus strand). Cytogenetic location: 6q22.1.
Variant type: single nucleotide variant.
Coding change: c.1817C>G on transcript NM_001010892.3 (MANE Select); coding-DNA position 1817, C replaced by G.
Protein change: p.Pro606Arg; replaces proline 606 with arginine.
Molecular consequence: missense variant.
Genome position (GRCh38, 1-based): chr6:116,630,453, C>G. VCF-style: chr6-116630453-C-G. GRCh37 (hg19) VCF-style: chr6-116951616-C-G.
Other names: c.1681C>G, p.Pro561Ala (NM_001161664.2); short protein forms P561A, P606R.
Identifiers: ClinVar variation 977550 (VCV000977550.5), dbSNP rs138413282, ClinGen allele CA3971052.
Genomic context (GRCh38, chr6:116,630,453, plus strand): 5'-CTAGTTAGGAATTAAGCTTTTGCATTTCTCTTTGGGTTCCAGAGATTCAGAATATACCCC[C>G]CTGGACAACACGGTTATCCTCAAATCTCATTCCACAATATGCTATTGCAGTCCTTCAATC-3'
Protein context (NP_001010892.1, residues 596-616): SEDLEIQNIP[Pro606Arg]WTTRLSSNLI